The following is an entry in ClinVar:

NM_152732.5(RSPH9):c.464C>T (p.Pro155Leu)

Gene: RSPH9 (radial spoke head component 9; plus strand). Cytogenetic location: 6p21.1.
Variant type: single nucleotide variant.
Coding change: c.464C>T on transcript NM_152732.5 (MANE Select); coding-DNA position 464, C replaced by T.
Protein change: p.Pro155Leu; replaces proline 155 with leucine.
Molecular consequence: missense variant. On other transcripts: non-coding transcript variant (2).
Genome position (GRCh38, 1-based): chr6:43,655,632, C>T. VCF-style: chr6-43655632-C-T. GRCh37 (hg19) VCF-style: chr6-43623369-C-T.
Other names: c.419C>T, p.Pro140Leu (NM_001193341.2, NM_001424120.1); c.464C>T, p.Pro155Leu (NM_001424119.1, NM_001424121.1); short protein forms P140L, P155L.
Identifiers: ClinVar variation 2449375 (VCV002449375.2), dbSNP rs2532769972, ClinGen allele CA364289265.

ClinVar aggregate classification (germline): Uncertain significance (1 of 4 stars; one submission).

Conditions:
Primary ciliary dyskinesia. Also called: Ciliary dyskinesia. Identifiers: Orphanet 244, MedGen C0008780, MONDO:0016575, HP:0012265.

Submission:

Ambry Genetics
Classification: Uncertain significance for Primary ciliary dyskinesia. Last evaluated: 2023-03-11. Review status: criteria provided, single submitter. Criteria: Ambry Variant Classification Scheme 2023. Collection method: clinical testing. Allele origin: germline.
Comment: The p.P155L variant (also known as c.464C>T), located in coding exon 3 of the RSPH9 gene, results from a C to T substitution at nucleotide position 464. The proline at codon 155 is replaced by leucine, an amino acid with similar properties. This amino acid position is conserved. In addition, this alteration is predicted to be deleterious by in silico analysis. Since supporting evidence is limited at this time, the clinical significance of this alteration remains unclear.